The following is an entry in ClinVar:

NM_001318510.2(ACSL4):c.65C>T (p.Thr22Ile)

Gene: ACSL4 (acyl-CoA synthetase long chain family member 4; minus strand). Cytogenetic location: Xq23.
Variant type: single nucleotide variant.
Coding change: c.65C>T on transcript NM_001318510.2 (MANE Select); coding-DNA position 65, C replaced by T.
Protein change: p.Thr22Ile; replaces threonine 22 with isoleucine.
Molecular consequence: missense variant.
Genome position (GRCh38, 1-based): chrX:109,683,299, G>A on the plus strand (C>T on the coding strand, the complement: ACSL4 is on the minus strand). VCF-style: chrX-109683299-G-A. GRCh37 (hg19) VCF-style: chrX-108926528-G-A.
Other names: c.188C>T, p.Thr63Ile (NM_001318509.2, NM_001437245.1, NM_001437247.1 and 2 more transcripts); c.65C>T, p.Thr22Ile (NM_001437250.1, NM_001437251.1, NM_001437252.1 and 2 more transcripts); short protein forms T22I, T63I.
Identifiers: ClinVar variation 4529915 (VCV004529915.2).

ClinVar aggregate classification (germline): Uncertain significance (1 of 4 stars; one submission).

gnomAD v4.1: 6 of 1,210,462 alleles (0.0005%); highest among the groups gnomAD compares: East Asian, 0.012%; no homozygotes.

Submission:

GeneDx
Classification: Uncertain significance. Last evaluated: 2026-06-15. Review status: criteria provided, single submitter. Criteria: GeneDx Variant Classification Process June 2021. Collection method: clinical testing. Allele origin: germline.
Comment: Not observed at significant frequency in large population cohorts (gnomAD); In silico analysis suggests that this missense variant does not alter protein structure/function; Has not been previously published as pathogenic or benign to our knowledge